The following is an entry in ClinVar:

ClinVar aggregate classification (germline): Uncertain significance (1 of 4 stars; one submission).

Conditions:
KIF5C-related disorder. Also called: KIF5C-related condition.

Submission:

PreventionGenetics, part of Exact Sciences
Classification: Uncertain significance for KIF5C-related condition. Last evaluated: 2026-02-19. Review status: criteria provided, single submitter. Criteria: ACMG Guidelines, 2015. Collection method: clinical testing. Allele origin: germline.
Comment: The KIF5C c.25A>C variant is predicted to result in the amino acid substitution p.Ile9Leu. To our knowledge, this variant has not been reported in the literature or in a large population database (gnomAD), indicating this variant is rare. At this time, the clinical significance of this variant is uncertain due to the absence of conclusive functional and genetic evidence.

NM_004522.3(KIF5C):c.25A>C (p.Ile9Leu)

Gene: KIF5C (kinesin family member 5C; plus strand). Cytogenetic location: 2q23.1.
Variant type: single nucleotide variant.
Coding change: c.25A>C on transcript NM_004522.3 (MANE Select); coding-DNA position 25, A replaced by C.
Protein change: p.Ile9Leu; replaces isoleucine 9 with leucine.
Molecular consequence: missense variant.
Genome position (GRCh38, 1-based): chr2:148,875,642, A>C. VCF-style: chr2-148875642-A-C. GRCh37 (hg19) VCF-style: chr2-149633211-A-C.
Other names: short protein forms I9L.
Identifiers: ClinVar variation 4992541 (VCV004992541.1).